The following is an entry in ClinVar:

ClinVar aggregate classification (germline): Uncertain significance. Review status: criteria provided, multiple submitters, no conflicts (2 of 4 stars). 2 submissions from 2 submitters: Uncertain significance (2). Last evaluated 2025-01-31.

Conditions:
Dilated cardiomyopathy 1J (CMD1J). Also called: CARDIOMYOPATHY, DILATED, WITH SENSORINEURAL HEARING LOSS, AUTOSOMAL DOMINANT. Identifiers: Orphanet 217622, MedGen C1854368, MONDO:0011541, OMIM 605362.

Submissions (2):

GeneDx
Classification: Uncertain significance. Last evaluated: 2025-01-31. Review status: criteria provided, single submitter. Criteria: GeneDx Variant Classification Process June 2021. Collection method: clinical testing. Allele origin: germline. Affected: yes.
Comment: Not observed at significant frequency in large population cohorts (gnomAD); In silico analysis indicates that this missense variant does not alter protein structure/function; Has not been previously published as pathogenic or benign to our knowledge

Labcorp Genetics (formerly Invitae), Labcorp
Classification: Uncertain significance for Dilated cardiomyopathy 1J. Last evaluated: 2022-03-03. Review status: criteria provided, single submitter. Criteria: Invitae Variant Classification Sherloc (09022015). Collection method: clinical testing. Allele origin: germline.
Comment: This variant has not been reported in the literature in individuals affected with EYA4-related conditions. This variant is not present in population databases (gnomAD no frequency). This sequence change replaces methionine, which is neutral and non-polar, with arginine, which is basic and polar, at codon 30 of the EYA4 protein (p.Met30Arg). Algorithms developed to predict the effect of missense changes on protein structure and function are either unavailable or do not agree on the potential impact of this missense change (SIFT: "Tolerated"; PolyPhen-2: "Possibly Damaging"; Align-GVGD: "Class C0"). In summary, the available evidence is currently insufficient to determine the role of this variant in disease. Therefore, it has been classified as a Variant of Uncertain Significance.

NM_004100.5(EYA4):c.89T>G (p.Met30Arg)

Gene: EYA4 (EYA transcriptional coactivator and phosphatase 4; plus strand). Cytogenetic location: 6q23.2.
Variant type: single nucleotide variant.
Coding change: c.89T>G on transcript NM_004100.5 (MANE Select); coding-DNA position 89, T replaced by G.
Protein change: p.Met30Arg; replaces methionine 30 with arginine.
Molecular consequence: missense variant.
Genome position (GRCh38, 1-based): chr6:133,446,635, T>G. VCF-style: chr6-133446635-T-G. GRCh37 (hg19) VCF-style: chr6-133767773-T-G.
Other names: c.89T>G, p.Met30Arg (NM_001301012.2, NM_001301013.2, NM_001370458.1 and 3 more transcripts); c.89T>G (NM_004100.4); short protein forms M30R.
Identifiers: ClinVar variation 1995185 (VCV001995185.5), dbSNP rs1554259054, ClinGen allele CA365837911.